The following is an entry in ClinVar:

ClinVar aggregate classification (germline): Likely benign. Review status: criteria provided, multiple submitters, no conflicts (2 of 4 stars). 2 submissions from 2 submitters: Likely benign (2). Last evaluated 2025-04-12.

Allele frequency attached by ClinVar (database versions not stated): gnomAD 0.00001; ExAC 0.00004.
gnomAD v4.1: 16 of 1,610,598 alleles (0.00099%); highest among the groups gnomAD compares: South Asian, 0.0044%; no homozygotes.

Submissions (2):

Labcorp Genetics (formerly Invitae), Labcorp
Classification: Likely benign. Last evaluated: 2025-04-12. Review status: criteria provided, single submitter. Criteria: Invitae Variant Classification Sherloc (09022015). Collection method: clinical testing. Allele origin: germline.

CeGaT Center for Human Genetics Tuebingen
Classification: Likely benign. Last evaluated: 2024-12-01. Review status: criteria provided, single submitter. Criteria: CeGaT Center For Human Genetics Tuebingen Variant Classification Criteria Version 2. Collection method: clinical testing. Allele origin: germline. Affected: yes. Observed: 1 variant allele.
Comment: GSN: BP4, BP7

NM_198252.3(GSN):c.1695G>A (p.Thr565=)

Gene: GSN (gelsolin; plus strand). Cytogenetic location: 9q33.2.
Variant type: single nucleotide variant.
Coding change: c.1695G>A on transcript NM_198252.3 (MANE Select); coding-DNA position 1695, G replaced by A.
Protein change: p.Thr565=; no amino-acid change (threonine 565 retained).
Molecular consequence: synonymous variant.
Genome position (GRCh38, 1-based): chr9:121,327,415, G>A. VCF-style: chr9-121327415-G-A. GRCh37 (hg19) VCF-style: chr9-124089693-G-A.
Other names: c.1848G>A, p.Thr616= (NM_000177.5); c.1695G>A, p.Thr565= (NM_001127662.2, NM_001127664.2, NM_001127665.2 and 10 more transcripts); c.1803G>A, p.Thr601= (NM_001127663.2); c.1728G>A, p.Thr576= (NM_001127666.2, NM_001127667.2, NM_001353063.2 and 13 more transcripts); c.1746G>A, p.Thr582= (NM_001258029.2); c.1719G>A, p.Thr573= (NM_001258030.2); c.1767G>A, p.Thr589= (NM_001353076.2); c.1041G>A, p.Thr347= (NM_001353078.2).
Identifiers: ClinVar variation 2083221 (VCV002083221.17), dbSNP rs762513908, ClinGen allele CA5221386.